The following is an entry in ClinVar:

ClinVar aggregate classification (germline): Conflicting classifications of pathogenicity. Review status: criteria provided, conflicting classifications (1 of 4 stars). 2 submissions from 2 submitters: Uncertain significance (1); Likely benign (1). Last evaluated 2024-06-03.

Conditions:
DNA ligase IV deficiency. Identifiers: Orphanet 99812, MedGen C1847827, MONDO:0011686, OMIM 606593.

Allele frequency attached by ClinVar (database versions not stated): gnomAD 0.00001; gnomAD exomes 0.00002 and 0.00008; TOPMed 0.00002; ExAC 0.00006.
gnomAD v4.1: 25 of 1,612,738 alleles (0.0016%); highest among the groups gnomAD compares: Admixed American, 0.042%; no homozygotes.

Submissions (2):

Women's Health and Genetics/Laboratory Corporation of America, LabCorp
Classification: Likely benign. Last evaluated: 2024-06-03. Review status: criteria provided, single submitter. Criteria: LabCorp Variant Classification Summary - May 2015. Collection method: clinical testing. Allele origin: germline.
Comment: Variant summary: LIG4 c.32C>G (p.Ala11Gly) results in a non-conservative amino acid change in the encoded protein sequence. Four of five in-silico tools predict a damaging effect of the variant on protein function. The variant allele was found at a frequency of 8.1e-05 in 248024 control chromosomes, predominantly at a frequency of 0.00058 within the Latino subpopulation in the gnomAD database. The observed variant frequency within Latino control individuals in the gnomAD database is approximately 2-fold of the estimated maximal expected allele frequency for a pathogenic variant in LIG4 causing Severe Combined Immunodeficiency phenotype (0.00035). c.32C>G has been reported in the literature in individuals affected with LIG4 deficiency (StainesBoone_2018). These report(s) do not provide unequivocal conclusions about association of the variant with Severe Combined Immunodeficiency. To our knowledge, no experimental evidence demonstrating an impact on protein function has been reported. The following publication has been ascertained in the context of this evaluation (PMID: 30719430). ClinVar contains an entry for this variant (Variation ID: 1449909). Based on the evidence outlined above, the variant was classified as likely benign.

Labcorp Genetics (formerly Invitae), Labcorp
Classification: Uncertain significance for DNA ligase IV deficiency. Last evaluated: 2022-10-18. Review status: criteria provided, single submitter. Criteria: Invitae Variant Classification Sherloc (09022015). Collection method: clinical testing. Allele origin: germline.
Comment: This sequence change replaces alanine, which is neutral and non-polar, with glycine, which is neutral and non-polar, at codon 11 of the LIG4 protein (p.Ala11Gly). This variant is present in population databases (rs778524098, gnomAD 0.06%). This missense change has been observed in individual(s) with clinical features of DNA ligase IV deficiency (PMID: 30719430). ClinVar contains an entry for this variant (Variation ID: 1449909). Algorithms developed to predict the effect of missense changes on protein structure and function (SIFT, PolyPhen-2, Align-GVGD) all suggest that this variant is likely to be disruptive. Algorithms developed to predict the effect of sequence changes on RNA splicing suggest that this variant may disrupt the consensus splice site. In summary, the available evidence is currently insufficient to determine the role of this variant in disease. Therefore, it has been classified as a Variant of Uncertain Significance.

Literature cited by the submitters: PubMed 30719430 (cited by Women's Health and Genetics/Laboratory Corporation of America, LabCorp and Labcorp Genetics (formerly Invitae), Labcorp).

NM_206937.2(LIG4):c.32C>G (p.Ala11Gly)

Gene: LIG4 (DNA ligase 4; minus strand). Cytogenetic location: 13q33.3.
Variant type: single nucleotide variant.
Coding change: c.32C>G on transcript NM_206937.2 (MANE Select); coding-DNA position 32, C replaced by G.
Protein change: p.Ala11Gly; replaces alanine 11 with glycine.
Molecular consequence: missense variant. On other transcripts: intron variant (2).
Genome position (GRCh38, 1-based): chr13:108,211,237, G>C on the plus strand (C>G on the coding strand, the complement: LIG4 is on the minus strand). VCF-style: chr13-108211237-G-C. GRCh37 (hg19) VCF-style: chr13-108863585-G-C.
Other names: c.32C>G, p.Ala11Gly (NM_001098268.2, NM_001352598.2, NM_001352599.2 and 6 more transcripts); c.-149-21C>G (NM_001330595.2); c.89-21C>G (NM_001352604.2); short protein forms A11G.
Identifiers: ClinVar variation 1449909 (VCV001449909.6), dbSNP rs778524098, ClinGen allele CA7043908.